The following is an entry in ClinVar:

NM_000195.5(HPS1):c.1857+2T>C

Gene: HPS1 (HPS1 biogenesis of lysosomal organelles complex 3 subunit 1; minus strand). Cytogenetic location: 10q24.2.
Variant type: single nucleotide variant.
Coding change: c.1857+2T>C on transcript NM_000195.5 (MANE Select); the canonical splice donor site of the intron after coding-DNA position 1857, T replaced by C.
Molecular consequence: splice donor variant.
Genome position (GRCh38, 1-based): chr10:98,420,043, A>G on the plus strand (T>C on the coding strand, the complement: HPS1 is on the minus strand). VCF-style: chr10-98420043-A-G. GRCh37 (hg19) VCF-style: chr10-100179800-A-G.
Other names: c.1389+2T>C (NM_001322485.2); c.1488+2T>C (NM_001322484.2, NM_001322483.2); c.1497+2T>C (NM_001322482.2); c.1596+2T>C (NM_001322481.2, NM_001322480.2); c.885+2T>C (NM_001322489.2, NM_001311345.2, NM_001322487.2); c.1758+2T>C (NM_001322479.2, NM_001322478.2); c.1857+2T>C (NM_001322477.2, NM_001322476.2).
Identifiers: ClinVar variation 627174 (VCV000627174.20), dbSNP rs374689398, ClinGen allele CA5638876.
Genomic context (GRCh38, chr10:98,420,043, plus strand): 5'-AAGAGTTACAGAGCGGGAAGTGTGTGTGGCCCGTCCTGGCCCAGGGACTCAGCCTCACCT[A>G]CCATGTCATTCTCGAACCACAGGAAGTAGGAGCAGTAGAAATCCCCCTCCTGGAACAGCA-3'

ClinVar aggregate classification (germline): Pathogenic/Likely pathogenic. Review status: criteria provided, multiple submitters, no conflicts (2 of 4 stars). 9 submissions from 9 submitters: Pathogenic (4); Likely pathogenic (5). Last evaluated 2026-03-06.

Conditions:
HPS1-related disorder. Also called: HPS1-related condition.
Hermansky-Pudlak syndrome (HPS). Also called: ALBINISM WITH HEMORRHAGIC DIATHESIS AND PIGMENTED RETICULOENDOTHELIAL CELLS. Identifiers: Orphanet 79430, MedGen C0079504, MONDO:0019312.
Hermansky-Pudlak syndrome 1 (HPS1). Also called: DELTA STORAGE POOL DISEASE. Identifiers: Orphanet 231500, Orphanet 79430, MedGen C2931875, MONDO:0008748, OMIM 203300.

Allele frequency attached by ClinVar (database versions not stated): gnomAD 0.00003 and 0.00002; TOPMed 0.00003; ESP Exome Variant Server 0.00008; ExAC 0.00001; gnomAD exomes 0.00002.
gnomAD v4.1: 29 of 1,598,900 alleles (0.0018%); highest among the groups gnomAD compares: Non-Finnish European, 0.0023%; no homozygotes.

Submissions (9):

PreventionGenetics, part of Exact Sciences
Classification: Likely pathogenic for HPS1-related condition. Last evaluated: 2026-03-06. Review status: criteria provided, single submitter. Criteria: ACMG Guidelines, 2015. Collection method: clinical testing. Allele origin: germline.
Comment: The HPS1 c.1857+2T>C variant is predicted to disrupt the GT donor site and interfere with normal splicing. This variant has been reported in the homozygous and compound heterozygous states in individuals with Hermansky-Pudlak syndrome (McElvaney et al. 2018. PubMed ID: 29941477; Table S3 in Downes et al. 2019. PubMed ID: 31064749). This variant has not been reported in a large population database (gnomAD), indicating this variant is rare. Variants that disrupt the consensus splice donor site in HPS1 are expected to be pathogenic. Given the evidence, we interpret c.1857+2T>C as likely pathogenic.

Myriad Genetics, Inc.
Classification: Likely pathogenic for Hermansky-Pudlak syndrome 1. Last evaluated: 2025-10-03. Review status: criteria provided, single submitter. Criteria: Myriad Autosomal Dominant, Autosomal Recessive and X-Linked Classification Criteria (2023). Collection method: clinical testing. Allele origin: unknown.
Comment: NM_000195.3(HPS1):c.1857+2T>C is a variant in a canonical splice site classified as likely pathogenic in the context of Hermansky-Pudlak syndrome, HPS1-related. c.1857+2T>C has been observed in cases with relevant disease (PMID: 29941477, 31064749). Relevant functional assessments of this variant are not available in the literature. c.1857+2T>C has not been observed in referenced population frequency databases. In summary, NM_000195.3(HPS1):c.1857+2T>C is a variant in a canonical splice site that has been observed more frequently in cases with the relevant disease than in healthy populations. Please note: this variant was assessed in the context of healthy population screening.

Broad Center for Mendelian Genomics, Broad Institute of MIT and Harvard
Classification: Pathogenic for Hermansky-Pudlak syndrome. Last evaluated: 2025-04-30. Review status: criteria provided, single submitter. Criteria: ACMG Guidelines, 2015. Collection method: curation. Allele origin: germline. Inheritance: Autosomal recessive inheritance.
Comment: The c.1857+2T>C variant in HPS1 has been reported in at least 2 individuals with Hermansky-Pudlak syndrome (PMID: 29941477, 31064749), and has been identified in 0.002% (27/1166238) of European (non-Finnish) chromosomes by the Genome Aggregation Database (gnomAD; dbSNP ID: rs374689398). Although this variant has been seen in the general population in a heterozygous state, its frequency is low enough to be consistent with a recessive carrier frequency. This variant has also been reported in ClinVar (VCV000627174.15) and has been interpreted as likely pathogenic/pathogenic by multiple submitters. Of the 2 affected individuals, 1 of those was a homozygote, which increases the likelihood that the c.1857+2T>C variant is pathogenic (VCV000021097.16; PMID: 29941477, 31064749). This variant is located in the 5' splice region. Computational tools predict a splicing impact, though this information is not predictive enough to determine pathogenicity. SpliceAI predictions indicate use of an out-of-frame cryptic splice site 5 bases from the intron-exon boundary, providing evidence that this variant may cause a frameshift and lead to a premature termination codon downstream. This alteration is then predicted to lead to a truncated or absent protein. However, this information is not predictive enough to determine pathogenicity. Loss of function of the HPS1 gene is an established disease mechanism in autosomal recessive Hermansky-Pudlak syndrome. In summary, this variant meets criteria to be classified as pathogenic for autosomal recessive Hermansky-Pudlak syndrome. ACMG/AMP Criteria applied: PVS1, PM2_supporting, PM3_supporting (Richards 2015).

Natera, Inc.
Classification: Likely pathogenic for Hermansky-Pudlak syndrome. Last evaluated: 2025-02-25. Review status: criteria provided, single submitter. Criteria: Natera Variant Classification Schema (03/2026). Collection method: clinical testing. Allele origin: germline.
Comment: The c.1857+2T>C variant in HPS1 is a canonical splice donor site variant predicted to affect pre-mRNA splicing, which may result in an abnormal transcript and altered protein product. This variant may result in a truncated or dysfunctional protein product. This variant is rare in the general population with a frequency below the threshold expected for the associated phenotype(s). This variant has been observed in one or more individuals affected with the associated recessive disease, as either homozygous or compound heterozygous with a second variant (PMID: 29941477, 31064749). Given the available evidence, this variant is classified as Likely Pathogenic.

Labcorp Genetics (formerly Invitae), Labcorp
Classification: Likely pathogenic. Last evaluated: 2025-02-10. Review status: criteria provided, single submitter. Criteria: Invitae Variant Classification Sherloc (09022015). Collection method: clinical testing. Allele origin: germline.
Comment: This sequence change affects a donor splice site in intron 18 of the HPS1 gene. It is expected to disrupt RNA splicing. Variants that disrupt the donor or acceptor splice site typically lead to a loss of protein function (PMID: 16199547), and loss-of-function variants in HPS1 are known to be pathogenic (PMID: 12442288, 16185271). This variant is present in population databases (rs374689398, gnomAD 0.0009%). Disruption of this splice site has been observed in individual(s) with clinical features of Hermansky-Pudlak syndrome (PMID: 29941477, 31064749). ClinVar contains an entry for this variant (Variation ID: 627174). Algorithms developed to predict the effect of sequence changes on RNA splicing suggest that this variant may disrupt the consensus splice site. In summary, the currently available evidence indicates that the variant is pathogenic, but additional data are needed to prove that conclusively. Therefore, this variant has been classified as Likely Pathogenic.

Fulgent Genetics
Classification: Pathogenic for Hermansky-Pudlak syndrome 1. Last evaluated: 2024-03-11. Review status: criteria provided, single submitter. Criteria: ACMG Guidelines, 2015. Collection method: clinical testing. Allele origin: germline.

Baylor Genetics
Classification: Pathogenic for Hermansky-Pudlak syndrome 1. Last evaluated: 2024-02-14. Review status: criteria provided, single submitter. Criteria: ACMG Guidelines, 2015. Collection method: clinical testing. Allele origin: unknown.

Genetics and Molecular Pathology, SA Pathology
Classification: Pathogenic for Hermansky-Pudlak syndrome 1. Last evaluated: 2021-11-26. Review status: criteria provided, single submitter. Criteria: ACMG Guidelines, 2015. Collection method: clinical testing. Allele origin: germline. Inheritance: Autosomal recessive inheritance. Affected: yes.

NIHR Bioresource Rare Diseases, University of Cambridge
Classification: Likely pathogenic for Hermansky-Pudlak syndrome. Last evaluated: 2019-02-01. Review status: criteria provided, single submitter. Criteria: ACMG Guidelines, 2015. Collection method: research. Allele origin: unknown. Affected: yes. Observed: 1 compound heterozygote, 1 homozygote. Study: ThromboGenomics.

Literature cited by the submitters: PubMed 29941477 (cited by 4 submitters); PubMed 31064749 (cited by 5 submitters); PubMed 16199547 (cited by Labcorp Genetics (formerly Invitae), Labcorp); PubMed 12442288 (cited by Labcorp Genetics (formerly Invitae), Labcorp); PubMed 16185271 (cited by Labcorp Genetics (formerly Invitae), Labcorp).